The following is an entry in ClinVar:

ClinVar aggregate classification (germline): Uncertain significance (1 of 4 stars; one submission).

Conditions:
Combined immunodeficiency due to LRBA deficiency. Also called: Common variable immunodeficiency 8, with autoimmunity. Identifiers: Orphanet 445018, MedGen C3553512, MONDO:0013863, OMIM 614700.

Submission:

Labcorp Genetics (formerly Invitae), Labcorp
Classification: Uncertain significance for Combined immunodeficiency due to LRBA deficiency. Last evaluated: 2022-03-10. Review status: criteria provided, single submitter. Criteria: Invitae Variant Classification Sherloc (09022015). Collection method: clinical testing. Allele origin: germline.
Comment: This sequence change replaces isoleucine, which is neutral and non-polar, with valine, which is neutral and non-polar, at codon 604 of the LRBA protein (p.Ile604Val). This variant is not present in population databases (gnomAD no frequency). This variant has not been reported in the literature in individuals affected with LRBA-related conditions. Algorithms developed to predict the effect of missense changes on protein structure and function (SIFT, PolyPhen-2, Align-GVGD) all suggest that this variant is likely to be tolerated. In summary, the available evidence is currently insufficient to determine the role of this variant in disease. Therefore, it has been classified as a Variant of Uncertain Significance.

NM_001364905.1(LRBA):c.1810A>G (p.Ile604Val)

Gene: LRBA (LPS responsive beige-like anchor protein; minus strand). Cytogenetic location: 4q31.3.
Variant type: single nucleotide variant.
Coding change: c.1810A>G on transcript NM_001364905.1 (MANE Select); coding-DNA position 1810, A replaced by G.
Protein change: p.Ile604Val; replaces isoleucine 604 with valine.
Molecular consequence: missense variant.
Genome position (GRCh38, 1-based): chr4:150,900,163, T>C on the plus strand (A>G on the coding strand, the complement: LRBA is on the minus strand). VCF-style: chr4-150900163-T-C. GRCh37 (hg19) VCF-style: chr4-151821315-T-C.
Other names: c.1810A>G, p.Ile604Val (NM_001199282.3, NM_001367550.1, NM_006726.5); short protein forms I604V.
Identifiers: ClinVar variation 1406278 (VCV001406278.9), dbSNP rs2127133005, ClinGen allele CA358430256.